The following is an entry in ClinVar:

ClinVar aggregate classification (germline): Uncertain significance. Review status: criteria provided, multiple submitters, no conflicts (2 of 4 stars). 2 submissions from 2 submitters: Uncertain significance (2). Last evaluated 2026-02-03.

Allele frequency attached by ClinVar (database versions not stated): ExAC 0.00015; 1000 Genomes Project 30x 0.00016; 1000 Genomes Project 0.00020; TOPMed 0.00020; gnomAD 0.00034; gnomAD exomes 0.00038.
gnomAD v4.1: 563 of 1,551,506 alleles (0.036%); highest among the groups gnomAD compares: Non-Finnish European, 0.045%; 1 homozygote.

Submissions (2):

GeneDx
Classification: Uncertain significance. Last evaluated: 2026-02-03. Review status: criteria provided, single submitter. Criteria: GeneDx Variant Classification Process June 2021. Collection method: clinical testing. Allele origin: germline.
Comment: In silico analysis supports that this missense variant has a deleterious effect on protein structure/function; Has not been previously published as pathogenic or benign to our knowledge

Ambry Genetics
Classification: Uncertain significance. Last evaluated: 2021-09-27. Review status: criteria provided, single submitter. Criteria: Ambry Variant Classification Scheme 2023. Collection method: clinical testing. Allele origin: germline.

NM_001367479.1(DNAH14):c.10730T>C (p.Met3577Thr)

Gene: DNAH14 (dynein axonemal heavy chain 14; plus strand). Cytogenetic location: 1q42.12.
Variant type: single nucleotide variant.
Coding change: c.10730T>C on transcript NM_001367479.1 (MANE Select); coding-DNA position 10730, T replaced by C.
Protein change: p.Met3577Thr; replaces methionine 3577 with threonine.
Molecular consequence: missense variant.
Genome position (GRCh38, 1-based): chr1:225,346,013, T>C. VCF-style: chr1-225346013-T-C. GRCh37 (hg19) VCF-style: chr1-225533715-T-C.
Other names: NM_001373.1:c.10451T>C; short protein forms M3577T.
Identifiers: ClinVar variation 3083603 (VCV003083603.2), dbSNP rs557710780, ClinGen allele CA1416666.
Genomic context (GRCh38, chr1:225,346,013, plus strand): 5'-TGTCTTTAGGATCCATATTAGATGATGACAAAATTGTAGATACCTTAAGAAAATCCAAAA[T>C]GACATCAAACGAAATTTCAAAGCGCATCGAAGCAACAAAAAAAGCTGAAAGTGAAATCCA-3'
Protein context (NP_001354408.1, residues 3567-3587): KIVDTLRKSK[Met3577Thr]TSNEISKRIE